The following is an entry in ClinVar:

NM_000548.5(TSC2):c.3211A>G (p.Thr1071Ala)

Gene: TSC2 (TSC complex subunit 2; plus strand). Cytogenetic location: 16p13.3.
Variant type: single nucleotide variant.
Coding change: c.3211A>G on transcript NM_000548.5 (MANE Select); coding-DNA position 3211, A replaced by G.
Protein change: p.Thr1071Ala; replaces threonine 1071 with alanine.
Molecular consequence: missense variant.
Genome position (GRCh38, 1-based): chr16:2,079,355, A>G. VCF-style: chr16-2079355-A-G. GRCh37 (hg19) VCF-style: chr16-2129356-A-G.
Other names: c.1735A>G, p.Thr579Ala (NM_001406691.1, NM_001406695.1, NM_001406696.1 and 1 more transcripts); c.1738A>G, p.Thr580Ala (NM_001406692.1, NM_001406693.1, NM_001406694.1 and 1 more transcripts); c.1477A>G, p.Thr493Ala (NM_001406698.1); c.3082A>G, p.Thr1028Ala (NM_021055.3, NM_001363528.2, NM_001370405.1); c.3079A>G, p.Thr1027Ala (NM_001077183.3, NM_001370404.1, NM_001406665.1); c.3211A>G, p.Thr1071Ala (NM_001114382.3); c.2971A>G, p.Thr991Ala (NM_001318827.2); c.2935A>G, p.Thr979Ala (NM_001318829.2); and 18 more; short protein forms T1008A, T1022A, T1023A, T1027A, T1038A, T623A, T978A, T979A.
Identifiers: ClinVar variation 1728941 (VCV001728941.4), dbSNP rs2151439062, ClinGen allele CA394285848.
Genomic context (GRCh38, chr16:2,079,355, plus strand): 5'-CTCCTAGCGGGTGGCAGGACCAAAACCTGGCTGGTTGGGAACAAGCTTGTCACTGTGACG[A>G]CAAGCGTGGGAACCGGGACCCGGTCGTTACTAGGCCTGGACTCGGGGGAGCTGCAGTCCG-3'
Protein context (NP_000539.2, residues 1061-1081): LVGNKLVTVT[Thr1071Ala]SVGTGTRSLL

ClinVar aggregate classification (germline): Uncertain significance. Review status: criteria provided, multiple submitters, no conflicts (2 of 4 stars). 2 submissions from 2 submitters: Uncertain significance (2). Last evaluated 2024-06-11.

Conditions:
Hereditary cancer-predisposing syndrome. Also called: Neoplastic Syndromes, Hereditary; Tumor predisposition; Hereditary Cancer Syndrome; Hereditary neoplastic syndrome. Identifiers: Orphanet 140162, MedGen C0027672, MeSH D009386, MONDO:0015356.
Tuberous sclerosis syndrome (TSC). Also called: Tuberous Sclerosis Complex; Tuberous sclerosis. Identifiers: Orphanet 805, MedGen C0041341, MONDO:0001734.

Submissions (2):

Ambry Genetics
Classification: Uncertain significance for Hereditary cancer-predisposing syndrome. Last evaluated: 2024-06-11. Review status: criteria provided, single submitter. Criteria: Ambry Variant Classification Scheme 2023. Collection method: clinical testing. Allele origin: germline.
Comment: The p.T1071A variant (also known as c.3211A>G), located in coding exon 27 of the TSC2 gene, results from an A to G substitution at nucleotide position 3211. The threonine at codon 1071 is replaced by alanine, an amino acid with similar properties. This amino acid position is highly conserved in available vertebrate species. In addition, this alteration is predicted to be deleterious by in silico analysis. Based on the available evidence, the clinical significance of this variant remains unclear.

All of Us Research Program, National Institutes of Health
Classification: Uncertain significance for Tuberous sclerosis syndrome. Last evaluated: 2023-11-30. Review status: criteria provided, single submitter. Criteria: ACMG Guidelines, 2015. Collection method: clinical testing. Allele origin: germline. Inheritance: Autosomal dominant inheritance. Observed: 1 variant allele, 1 heterozygote.
Comment: This study involves interpretation of variants in research participants for the purpose of population health screening. Participant phenotype was not available at the time of variant classification. Additional details can be found in publication PMID: 35346344, PMCID: PMC8962531